The following is an entry in ClinVar:

NM_005208.5(CRYBA1):c.340C>T (p.Arg114Cys)

Gene: CRYBA1 (crystallin beta A1; plus strand). Cytogenetic location: 17q11.2.
Variant type: single nucleotide variant.
Coding change: c.340C>T on transcript NM_005208.5 (MANE Select); coding-DNA position 340, C replaced by T.
Protein change: p.Arg114Cys; replaces arginine 114 with cysteine.
Molecular consequence: missense variant.
Genome position (GRCh38, 1-based): chr17:29,252,188, C>T. VCF-style: chr17-29252188-C-T. GRCh37 (hg19) VCF-style: chr17-27579206-C-T.
Other names: c.340C>T (NM_005208.4); short protein forms R114C.
Identifiers: ClinVar variation 4695766 (VCV004695766.2).

ClinVar aggregate classification (germline): Pathogenic/Likely pathogenic. Review status: criteria provided, multiple submitters, no conflicts (2 of 4 stars). 2 submissions from 2 submitters: Pathogenic (1); Likely pathogenic (1). Last evaluated 2026-05-14.

Conditions:
CRYBA1-related disorder. Also called: CRYBA1-related condition.
Cataract 10 multiple types. Also called: CATARACT 10, CONGENITAL ZONULAR, WITH SUTURAL OPACITIES. Identifiers: Orphanet 91492, MedGen C1833229, MONDO:0010948, OMIM 600881.

Submissions (2):

PreventionGenetics, part of Exact Sciences
Classification: Likely pathogenic for CRYBA1-related condition. Last evaluated: 2026-05-14. Review status: criteria provided, single submitter. Criteria: ACMG Guidelines, 2015. Collection method: clinical testing. Allele origin: germline.
Comment: The CRYBA1 c.340C>T variant is predicted to result in the amino acid substitution p.Arg114Cys. This variant has been reported as segregating with disease in a large three-generation kindred with coronary cataract with blue punctate (Shu-Hua et al. 2021. PubMed ID: 33827296). This variant is predicted damaging to the encoded protein based on available prediction programs (Liu et al. 2016. PMID:26555599). This variant is present in 0.0029% of alleles in individuals of Latino descent in gnomAD. This variant is interpreted as likely pathogenic.

Labcorp Genetics (formerly Invitae), Labcorp
Classification: Pathogenic for Cataract 10 multiple types. Last evaluated: 2025-04-30. Review status: criteria provided, single submitter. Criteria: Invitae Variant Classification Sherloc (09022015). Collection method: clinical testing. Allele origin: germline.
Comment: This sequence change replaces arginine, which is basic and polar, with cysteine, which is neutral and slightly polar, at codon 114 of the CRYBA1 protein (p.Arg114Cys). This variant is present in population databases (rs763153194, gnomAD 0.003%). This missense change has been observed in individual(s) with autosomal dominant congenital cataract (PMID: 33827296). It has also been observed to segregate with disease in related individuals. An algorithm developed to predict the effect of missense changes on protein structure and function (PolyPhen-2) suggests that this variant is likely to be disruptive. For these reasons, this variant has been classified as Pathogenic.

Literature cited by the submitters: PubMed 33827296 (cited by Labcorp Genetics (formerly Invitae), Labcorp).